The following is an entry in ClinVar:

ClinVar aggregate classification (germline): Uncertain significance (1 of 4 stars; one submission).

Conditions:
Brugada syndrome. Also called: Sudden unexplained nocturnal death syndrome; Sudden Unexplained Death Syndrome; Sudden Unexplained Nocturnal Death Syndrome (SUNDS); Sudden unexpected nocturnal death syndrome. Identifiers: Orphanet 130, MedGen C1142166, MONDO:0015263.

Submission:

Labcorp Genetics (formerly Invitae), Labcorp
Classification: Uncertain significance for Brugada syndrome. Last evaluated: 2019-12-14. Review status: criteria provided, single submitter. Criteria: Invitae Variant Classification Sherloc (09022015). Collection method: clinical testing. Allele origin: germline.
Comment: This variant is an out-of-frame deletion of the genomic region encompassing exons 27-31 of the CACNA2D1 gene. This is expected to create a premature translational stop signal and result in an absent or disrupted protein product. This variant has not been reported in the literature in individuals with CACNA2D1-related conditions. The current clinical and genetic evidence is not sufficient to establish whether loss-of-function variants in CACNA2D1 cause disease. In summary, the available evidence is currently insufficient to determine the role of this variant in disease. Therefore, it has been classified as a Variant of Uncertain Significance.

NC_000007.14:g.(?_81967159)_(81970747_?)del

Gene: CACNA2D1 (calcium voltage-gated channel auxiliary subunit alpha2delta 1; minus strand). Cytogenetic location: 7q21.11.
Variant type: Deletion.
Identifiers: ClinVar variation 831487 (VCV000831487.1).